The following is an entry in ClinVar:

NM_139343.3(BIN1):c.574G>T (p.Ala192Ser)

Gene: BIN1 (bridging integrator 1; minus strand). Cytogenetic location: 2q14.3.
Variant type: single nucleotide variant.
Coding change: c.574G>T on transcript NM_139343.3 (MANE Select); coding-DNA position 574, G replaced by T.
Protein change: p.Ala192Ser; replaces alanine 192 with serine.
Molecular consequence: missense variant. On other transcripts: intron variant (10).
Genome position (GRCh38, 1-based): chr2:127,068,201, C>A on the plus strand (G>T on the coding strand, the complement: BIN1 is on the minus strand). VCF-style: chr2-127068201-C-A. GRCh37 (hg19) VCF-style: chr2-127825777-C-A.
Other names: c.574G>T, p.Ala192Ser (NM_001320633.2, NM_001320640.2, NM_139344.3 and 1 more transcripts); c.493G>T, p.Ala165Ser (NM_001320642.1); c.447+723G>T (NM_001320634.1); c.519+723G>T (NM_139351.3, NM_139350.3, NM_139349.3 and 6 more transcripts); short protein forms A192S, A165S.
Identifiers: ClinVar variation 2119202 (VCV002119202.4), dbSNP rs1360908041, ClinGen allele CA348367189.

ClinVar aggregate classification (germline): Uncertain significance (1 of 4 stars; one submission).

Conditions:
Myopathy, centronuclear, 2 (CNM2). Also called: MYOTUBULAR MYOPATHY, AUTOSOMAL RECESSIVE. Identifiers: Orphanet 169186, MedGen CN031787, MONDO:0009709, OMIM 255200.

Allele frequency attached by ClinVar (database versions not stated): TOPMed below 0.00001.
gnomAD v4.1: 2 of 1,613,650 alleles (0.00012%); highest among the groups gnomAD compares: Non-Finnish European, 0.000085%; no homozygotes.

Submission:

Labcorp Genetics (formerly Invitae), Labcorp
Classification: Uncertain significance for Myopathy, centronuclear, 2. Last evaluated: 2022-03-29. Review status: criteria provided, single submitter. Criteria: Invitae Variant Classification Sherloc (09022015). Collection method: clinical testing. Allele origin: germline.
Comment: This sequence change replaces alanine, which is neutral and non-polar, with serine, which is neutral and polar, at codon 192 of the BIN1 protein (p.Ala192Ser). This variant is not present in population databases (gnomAD no frequency). This variant has not been reported in the literature in individuals affected with BIN1-related conditions. Algorithms developed to predict the effect of missense changes on protein structure and function are either unavailable or do not agree on the potential impact of this missense change (SIFT: "Deleterious"; PolyPhen-2: "Probably Damaging"; Align-GVGD: "Class C0"). In summary, the available evidence is currently insufficient to determine the role of this variant in disease. Therefore, it has been classified as a Variant of Uncertain Significance.